The following is an entry in ClinVar:

ClinVar aggregate classification (germline): Uncertain significance (1 of 4 stars; one submission).

Conditions:
Brugada syndrome. Also called: Sudden unexpected nocturnal death syndrome; Sudden unexplained nocturnal death syndrome; Sudden Unexplained Death Syndrome; Sudden Unexplained Nocturnal Death Syndrome (SUNDS). Identifiers: Orphanet 130, MedGen C1142166, MONDO:0015263.

Submission:

Labcorp Genetics (formerly Invitae), Labcorp
Classification: Uncertain significance for Brugada syndrome. Last evaluated: 2019-04-15. Review status: criteria provided, single submitter. Criteria: Invitae Variant Classification Sherloc (09022015). Collection method: clinical testing. Allele origin: germline.
Comment: This sequence change replaces isoleucine with valine at codon 476 of the SLMAP protein (p.Ile476Val). The isoleucine residue is weakly conserved and there is a small physicochemical difference between isoleucine and valine. This variant is not present in population databases (ExAC no frequency). This variant has not been reported in the literature in individuals with SLMAP-related conditions. Algorithms developed to predict the effect of missense changes on protein structure and function (SIFT, PolyPhen-2, Align-GVGD) all suggest that this variant is likely to be tolerated, but these predictions have not been confirmed by published functional studies and their clinical significance is uncertain. In summary, the available evidence is currently insufficient to determine the role of this variant in disease. Therefore, it has been classified as a Variant of Uncertain Significance.

NM_001377540.1(SLMAP):c.1528A>G (p.Ile510Val)

Gene: SLMAP (sarcolemma associated protein; plus strand). Cytogenetic location: 3p14.3.
Variant type: single nucleotide variant.
Coding change: c.1528A>G on transcript NM_001377540.1 (MANE Select); coding-DNA position 1528, A replaced by G.
Protein change: p.Ile510Val; replaces isoleucine 510 with valine.
Molecular consequence: missense variant. On other transcripts: intron variant (12).
Genome position (GRCh38, 1-based): chr3:57,907,910, A>G. VCF-style: chr3-57907910-A-G. GRCh37 (hg19) VCF-style: chr3-57893637-A-G.
Other names: c.1477A>G, p.Ile493Val (NM_001304420.3, NM_001377541.1, NM_001377542.1); c.1363A>G, p.Ile455Val (NM_001304421.2, NM_001377557.1, NM_001377559.1); c.79A>G, p.Ile27Val (NM_001304422.3, NM_001311178.2); c.1528A>G, p.Ile510Val (NM_001377538.1, NM_001377539.1); c.1465A>G, p.Ile489Val (NM_001377545.1); c.1426A>G, p.Ile476Val (NM_001377549.1, NM_007159.5); c.1414A>G, p.Ile472Val (NM_001377551.1, NM_001377552.1); c.1502-1166A>G (NM_001377555.1); and 7 more; short protein forms I489V, I27V, I455V, I476V, I493V, I510V, I472V.
Identifiers: ClinVar variation 851982 (VCV000851982.6), dbSNP rs2096607019, ClinGen allele CA353407032.
Genomic context (GRCh38, chr3:57,907,910, plus strand): 5'-ACTCTTGCTTTTAAAATAAACATGTTTTTGTCAGATGACTTGCAGGGTGCACAGTCAGAA[A>G]TTGAGGCAAAGCAAGAAATACAGCATCTTCGAAAGGAATTGATCGAAGCCCAGGAGCTAG-3'
Protein context (NP_001364469.1, residues 500-520): KDDLQGAQSE[Ile510Val]EAKQEIQHLR